The following is an entry in ClinVar:

NM_004380.3(CREBBP):c.3698+6C>T

Gene: CREBBP (CREB binding lysine acetyltransferase; minus strand). Cytogenetic location: 16p13.3.
Variant type: single nucleotide variant.
Coding change: c.3698+6C>T on transcript NM_004380.3 (MANE Select); 6 bases into the intron after coding-DNA position 3698, C replaced by T.
Molecular consequence: intron variant.
Genome position (GRCh38, 1-based): chr16:3,757,282, G>A on the plus strand (C>T on the coding strand, the complement: CREBBP is on the minus strand). VCF-style: chr16-3757282-G-A. GRCh37 (hg19) VCF-style: chr16-3807283-G-A.
Other names: c.3698+6C>T (NM_004380.2); c.3584+6C>T (NM_001079846.1).
Identifiers: ClinVar variation 2415358 (VCV002415358.8), dbSNP rs1459925197, ClinGen allele CA620468017.
Genomic context (GRCh38, chr16:3,757,282, plus strand): 5'-ACAGACTATAACCAGATGAACGTGCCTTGCCCTAAGACATAATGCAGGATGCTGCTTGAC[G>A]CTTACCTATTCTGATAGCTGTAGTAGGCAGCATCGCGAGGAATGGTACACAGCTGCTTCC-3'

ClinVar aggregate classification (germline): Conflicting classifications of pathogenicity. Review status: criteria provided, conflicting classifications (1 of 4 stars). 3 submissions from 3 submitters: Uncertain significance (1); Likely benign (1). 1 of the submissions does not count toward it. Last evaluated 2023-11-20.

Conditions:
Rubinstein-Taybi syndrome (RSTS). Identifiers: Orphanet 783, MedGen C0035934, MONDO:0019188.
CREBBP-related disorder. Also called: CREBBP-related disorders; CREBBP-related condition.

Allele frequency attached by ClinVar (database versions not stated): gnomAD 0.00001; gnomAD exomes 0.00001.
gnomAD v4.1: 15 of 1,606,770 alleles (0.00093%); highest among the groups gnomAD compares: East Asian, 0.0022%; no homozygotes.

Submissions (3):

Blueprint Genetics
Classification: Likely benign. Last evaluated: 2023-11-20. Review status: criteria provided, single submitter. Criteria: ACMG Guidelines, 2015. Collection method: clinical testing. Allele origin: germline.

Labcorp Genetics (formerly Invitae), Labcorp
Classification: Uncertain significance for Rubinstein-Taybi syndrome. Last evaluated: 2022-09-23. Review status: criteria provided, single submitter. Criteria: Invitae Variant Classification Sherloc (09022015). Collection method: clinical testing. Allele origin: germline.
Comment: This sequence change falls in intron 19 of the CREBBP gene. It does not directly change the encoded amino acid sequence of the CREBBP protein. It affects a nucleotide within the consensus splice site. In summary, the available evidence is currently insufficient to determine the role of this variant in disease. Therefore, it has been classified as a Variant of Uncertain Significance. Variants that disrupt the consensus splice site are a relatively common cause of aberrant splicing (PMID: 17576681, 9536098). Algorithms developed to predict the effect of sequence changes on RNA splicing suggest that this variant is not likely to affect RNA splicing. This variant has not been reported in the literature in individuals affected with CREBBP-related conditions. This variant is present in population databases (no rsID available, gnomAD 0.007%).

PreventionGenetics, part of Exact Sciences
Classification: Likely benign for CREBBP-related condition. Last evaluated: 2024-03-25. Review status: no assertion criteria provided. Collection method: clinical testing. Allele origin: germline. Not counted in ClinVar's aggregate classification.
Comment: This variant is classified as likely benign based on ACMG/AMP sequence variant interpretation guidelines (Richards et al. 2015 PMID: 25741868, with internal and published modifications).

Literature cited by the submitters: PubMed 17576681 (cited by Labcorp Genetics (formerly Invitae), Labcorp); PubMed 9536098 (cited by Labcorp Genetics (formerly Invitae), Labcorp).